The following is an entry in ClinVar:

NM_001379180.1(ESRRB):c.1120+8C>T

Gene: ESRRB (estrogen related receptor beta; plus strand). Cytogenetic location: 14q24.3.
Variant type: single nucleotide variant.
Coding change: c.1120+8C>T on transcript NM_001379180.1 (MANE Select); 8 bases into the intron after coding-DNA position 1120, C replaced by T.
Molecular consequence: intron variant.
Genome position (GRCh38, 1-based): chr14:76,491,724, C>T. VCF-style: chr14-76491724-C-T. GRCh37 (hg19) VCF-style: chr14-76958067-C-T.
Other names: c.1057+8C>T (NM_004452.4).
Identifiers: ClinVar variation 163421 (VCV000163421.38), dbSNP rs373429794, ClinGen allele CA176062.

ClinVar aggregate classification (germline): Conflicting classifications of pathogenicity. Review status: criteria provided, conflicting classifications (1 of 4 stars). 7 submissions from 7 submitters: Uncertain significance (1); Benign (3); Likely benign (3). Last evaluated 2026-07-01.

Conditions:
Autosomal recessive nonsyndromic hearing loss 35. Identifiers: Orphanet 90636, MedGen C1837857, MONDO:0012060, OMIM 608565.

Allele frequency attached by ClinVar (database versions not stated): 1000 Genomes Project 0.00040; 1000 Genomes Project 30x 0.00047; gnomAD exomes 0.00180; gnomAD 0.00217 and 0.00226; TOPMed 0.00225; ESP Exome Variant Server 0.00240; ExAC 0.00291.
gnomAD v4.1: 6,049 of 1,568,782 alleles (0.39%); highest among the groups gnomAD compares: Non-Finnish European, 0.49%; 19 homozygotes.

Submissions (7):

CeGaT Center for Human Genetics Tuebingen
Classification: Likely benign. Last evaluated: 2026-07-01. Review status: criteria provided, single submitter. Criteria: CeGaT Center For Human Genetics Tuebingen Variant Classification Criteria Version 2. Collection method: clinical testing. Allele origin: germline. Affected: yes. Observed: 7 variant alleles.
Comment: ESRRB: BP4, BS2

Labcorp Genetics (formerly Invitae), Labcorp
Classification: Benign. Last evaluated: 2025-11-25. Review status: criteria provided, single submitter. Criteria: Invitae Variant Classification Sherloc (09022015). Collection method: clinical testing. Allele origin: germline.

Blueprint Genetics
Classification: Likely benign. Last evaluated: 2024-11-08. Review status: criteria provided, single submitter. Criteria: ACMG Guidelines, 2015. Collection method: clinical testing. Allele origin: germline.

Athena Diagnostics
Classification: Benign. Last evaluated: 2020-04-14. Review status: criteria provided, single submitter. Criteria: Athena Diagnostics Criteria. Collection method: clinical testing. Allele origin: unknown.

GeneDx
Classification: Likely benign. Last evaluated: 2018-09-14. Review status: criteria provided, single submitter. Criteria: GeneDx Variant Classification Process June 2021. Collection method: clinical testing. Allele origin: germline. Affected: yes.

Illumina Laboratory Services, Illumina
Classification: Uncertain significance for Autosomal recessive nonsyndromic hearing loss 35. Last evaluated: 2018-01-13. Review status: criteria provided, single submitter. Criteria: ICSL Variant Classification Criteria 13 December 2019. Collection method: clinical testing. Allele origin: germline.

Laboratory for Molecular Medicine, Mass General Brigham Personalized Medicine
Classification: Benign. Last evaluated: 2012-04-30. Review status: criteria provided, single submitter. Criteria: LMM Criteria. Collection method: clinical testing. Allele origin: germline. Observed: 5 variant alleles.
Comment: 1057+8C>T in Intron 08 of ESRRB: This variant is not expected to have clinical s ignificance because it is not located within the conserved splice consensus sequ ence and has been identified in 0.4% (26/6982) of European American chromosomes from a broad population by the NHLBI Exome Sequencing Project.